The following is an entry in ClinVar:

ClinVar aggregate classification (germline): Uncertain significance. Review status: criteria provided, multiple submitters, no conflicts (2 of 4 stars). 2 submissions from 2 submitters: Uncertain significance (2). Last evaluated 2025-05-05.

Conditions:
POLD1-related polyposis and colorectal cancer syndrome (CRCS10). Also called: Colorectal cancer 10; Colorectal cancer, susceptibility to, 10; COLORECTAL CANCER, SUSCEPTIBILITY TO, ON CHROMOSOME 19q. Identifiers: Orphanet 220460, MedGen C2675481, MONDO:0012953, OMIM 612591.
Hereditary cancer-predisposing syndrome. Also called: Tumor predisposition; Hereditary Cancer Syndrome; Hereditary neoplastic syndrome; Neoplastic Syndromes, Hereditary. Identifiers: Orphanet 140162, MedGen C0027672, MeSH D009386, MONDO:0015356.

Submissions (2):

Ambry Genetics
Classification: Uncertain significance for Hereditary cancer-predisposing syndrome. Last evaluated: 2025-05-05. Review status: criteria provided, single submitter. Criteria: Ambry Variant Classification Scheme 2023. Collection method: clinical testing. Allele origin: germline.
Comment: The p.L1036M variant (also known as c.3106C>A), located in coding exon 24 of the POLD1 gene, results from a C to A substitution at nucleotide position 3106. The leucine at codon 1036 is replaced by methionine, an amino acid with highly similar properties. This amino acid position is highly conserved in available vertebrate species. In addition, this alteration is predicted to be tolerated by in silico analysis. Based on the available evidence, the clinical significance of this variant remains unclear.

Labcorp Genetics (formerly Invitae), Labcorp
Classification: Uncertain significance for POLD1-related polyposis and colorectal cancer syndrome. Last evaluated: 2023-12-24. Review status: criteria provided, single submitter. Criteria: Invitae Variant Classification Sherloc (09022015). Collection method: clinical testing. Allele origin: germline.
Comment: This sequence change replaces leucine, which is neutral and non-polar, with methionine, which is neutral and non-polar, at codon 1036 of the POLD1 protein (p.Leu1036Met). This variant is not present in population databases (gnomAD no frequency). This variant has not been reported in the literature in individuals affected with POLD1-related conditions. Advanced modeling of protein sequence and biophysical properties (such as structural, functional, and spatial information, amino acid conservation, physicochemical variation, residue mobility, and thermodynamic stability) performed at Invitae indicates that this missense variant is not expected to disrupt POLD1 protein function with a negative predictive value of 80%. In summary, the available evidence is currently insufficient to determine the role of this variant in disease. Therefore, it has been classified as a Variant of Uncertain Significance.

NM_002691.4(POLD1):c.3106C>A (p.Leu1036Met)

Gene: POLD1 (DNA polymerase delta 1, catalytic subunit; plus strand). Cytogenetic location: 19q13.33.
Variant type: single nucleotide variant.
Coding change: c.3106C>A on transcript NM_002691.4 (MANE Select); coding-DNA position 3106, C replaced by A.
Protein change: p.Leu1036Met; replaces leucine 1036 with methionine.
Molecular consequence: missense variant. On other transcripts: non-coding transcript variant (1).
Genome position (GRCh38, 1-based): chr19:50,417,083, C>A. VCF-style: chr19-50417083-C-A. GRCh37 (hg19) VCF-style: chr19-50920340-C-A.
Other names: c.3106C>A (NM_002691.2); c.3106C>A, p.Leu1036Met (NM_001256849.1); c.3184C>A, p.Leu1062Met (NM_001308632.1); short protein forms L1036M, L1062M.
Identifiers: ClinVar variation 2705190 (VCV002705190.4), dbSNP rs1207238630, ClinGen allele CA406987155.